The following is an entry in ClinVar:

NM_007294.4(BRCA1):c.129T>G (p.Phe43Leu)

Gene: BRCA1 (BRCA1 DNA repair associated; minus strand). Cytogenetic location: 17q21.31.
Variant type: single nucleotide variant.
Coding change: c.129T>G on transcript NM_007294.4 (MANE Select); coding-DNA position 129, T replaced by G.
Protein change: p.Phe43Leu; replaces phenylalanine 43 with leucine.
Molecular consequence: missense variant. On other transcripts: non-coding transcript variant (1), intron variant (1).
Genome position (GRCh38, 1-based): chr17:43,115,731, A>C on the plus strand (T>G on the coding strand, the complement: BRCA1 is on the minus strand). VCF-style: chr17-43115731-A-C. GRCh37 (hg19) VCF-style: chr17-41267748-A-C.
Other names: c.-13T>G (NM_001407697.1, NM_001407725.1, NM_001407728.1 and 47 more transcripts); c.-129T>G (NM_001407724.1, NM_001407727.1, NM_001407731.1 and 13 more transcripts); c.-9T>G (NM_001407841.1); c.-60T>G (NM_001407853.1, NM_001407879.1, NM_001407882.1 and 52 more transcripts); c.129T>G, p.Phe43Leu (NM_001407854.1, NM_001407858.1, NM_001407859.1 and 192 more transcripts); c.-176T>G (NM_001407889.1, NM_001407900.1, NM_001408492.1); c.-175T>G (NM_001407960.1, NM_001407962.1, NM_001408510.1 and 1 more transcripts); c.-291T>G (NM_001407965.1); and 2 more; short protein forms F43L.
Identifiers: ClinVar variation 867833 (VCV000867833.5), dbSNP rs2055245756, ClinGen allele CA10601898.

ClinVar aggregate classification (germline): Uncertain significance (1 of 4 stars; one submission).

Conditions:
Hereditary cancer-predisposing syndrome. Also called: Neoplastic Syndromes, Hereditary; Tumor predisposition; Hereditary Cancer Syndrome; Hereditary neoplastic syndrome. Identifiers: Orphanet 140162, MedGen C0027672, MeSH D009386, MONDO:0015356.

Submissions (2):

Color Diagnostics, LLC DBA Color Health
Classification: Uncertain significance for Hereditary cancer-predisposing syndrome. Last evaluated: 2019-06-19. Review status: criteria provided, single submitter. Criteria: ACMG Guidelines, 2015. Collection method: clinical testing. Allele origin: germline.

Brotman Baty Institute, University of Washington
No classification provided (evidence only). Condition: Breast-ovarian cancer, familial 1. Review status: no classification provided. Collection method: in vitro. Allele origin: not applicable. Functional consequence: function_uncertain_variant. Not counted in ClinVar's aggregate classification.
ClinVar note: "not provided" was previously submitted as the classification for the variant. However, the classification appeared to be based only on an observation of functional data so it was converted to no classification on 2025-07-30.